The following is an entry in ClinVar:

ClinVar aggregate classification (germline): Conflicting classifications of pathogenicity. Review status: criteria provided, conflicting classifications (1 of 4 stars). 12 submissions from 12 submitters: Uncertain significance (11); Benign (1). Last evaluated 2026-08-19.

Conditions:
Low phospholipid associated cholelithiasis (GBD1). Also called: Gallbladder disease 1; Gallstone cholecystitis. Identifiers: Orphanet 69663, MedGen C2609268, MONDO:0010939, OMIM 600803.
Familial intrahepatic cholestasis. Identifiers: Orphanet 284385, MedGen CN296401, MONDO:0017290.
ABCB4-related disorder. Also called: ABCB4-related disorders; ABCB4-related condition.
Cholestasis, intrahepatic, of pregnancy, 3. Identifiers: Orphanet 69665, MedGen C3554241, MONDO:0013995, OMIM 614972.
Progressive familial intrahepatic cholestasis type 3. Also called: MDR3 DEFICIENCY; Low Gamma-GT Familial Intrahepatic Cholestasis. Identifiers: Orphanet 79305, MedGen C1865643, MONDO:0011214, OMIM 602347.
Progressive familial intrahepatic cholestasis type 1. Also called: Severe ATP8B1 Deficiency (Progressive Familial Intrahepatic Cholestasis Type 1 [PFIC1]); Byler's disease; BYLER DISEASE. Identifiers: Orphanet 79306, MedGen C4551898, MONDO:0008892, OMIM 211600.

Allele frequency attached by ClinVar (database versions not stated): ExAC 0.00062; gnomAD 0.00123 and 0.00124; TOPMed 0.00141; ESP Exome Variant Server 0.00154; 1000 Genomes Project 0.00339; 1000 Genomes Project 30x 0.00406.
gnomAD v4.1: 519 of 1,608,124 alleles (0.032%); highest among the groups gnomAD compares: African/African-American, 0.44%; no homozygotes.

Submissions (12):

Molecular Genetics Laboratory, CHU Lille
Classification: Uncertain significance for Progressive familial intrahepatic cholestasis type 3. Last evaluated: 2026-08-19. Review status: criteria provided, single submitter. Criteria: ACMG Guidelines, 2015. Collection method: clinical testing. Allele origin: germline. Affected: yes.
Comment: The ABCB4 p.Thr34Met (c.101C>T) missense variant substitutes threonine with methionine at amino acid residue 34. It has been documented in at least one proband affected by an ABCB4-related disorder. Consequently, we classify ABCB4 p.Thr34Met (c.101C>T) as a variant of uncertain significance

PreventionGenetics, part of Exact Sciences
Classification: Uncertain significance for ABCB4-related condition. Last evaluated: 2026-07-28. Review status: criteria provided, single submitter. Criteria: ACMG Guidelines, 2015. Collection method: clinical testing. Allele origin: germline.
Comment: The ABCB4 c.101C>T variant is predicted to result in the amino acid substitution p.Thr34Met. This variant has been reported in the heterozygous state in an individual with low phospholipid-associated cholelithiasis (Wendum et al. 2012. PubMed ID: 22331132). In vitro functional studies indicate that this variant does not impact protein stability, expression, and apical plasma membrane localization, but decreases ABCB4-mediated phosphatidylcholine secretion activity and impairs ABCB4 phosphorylation (Gautherot et al. 2014. PubMed ID: 24723470). This variant is reported in 0.48% of alleles in individuals of African descent in gnomAD. At this time, the clinical significance of this variant is uncertain due to the absence of conclusive functional and genetic evidence.

Genomenon, Inc
Classification: Uncertain significance for Familial intrahepatic cholestasis; Low phospholipid associated cholelithiasis. Last evaluated: 2026-04-14. Review status: criteria provided, single submitter. Criteria: Genomenon Sequence Variant Interpretation Standards - Updated. Collection method: curation. Allele origin: germline. Affected: yes.
Comment: ABCB4 p.Thr34Met (c.101C>T) is a missense variant that changes the amino acid at residue 34 from Threonine to Methionine. This variant has been observed in at least one proband with an ABCB4-related disorder (PMID:35626323;28355206;22331132;24723470). At least one functional study has demonstrated a substantial alteration in protein function relative to the wild-type (PMID:24723470). In silico models predict that this variant is possibly or probably damaging. In conclusion, we classify ABCB4 p.Thr34Met (c.101C>T) as a variant of uncertain significance.

Blueprint Genetics
Classification: Uncertain significance. Last evaluated: 2024-11-26. Review status: criteria provided, single submitter. Criteria: ACMG Guidelines, 2015. Collection method: clinical testing. Allele origin: germline.

Genomic Medicine Center of Excellence, King Faisal Specialist Hospital and Research Centre
Classification: Uncertain significance for Cholestasis, intrahepatic, of pregnancy, 3. Last evaluated: 2024-04-04. Review status: criteria provided, single submitter. Criteria: ACMG Guidelines, 2015. Collection method: clinical testing. Allele origin: germline.

Mayo Clinic Laboratories, Mayo Clinic
Classification: Uncertain significance. Last evaluated: 2023-02-24. Review status: criteria provided, single submitter. Criteria: ACMG Guidelines, 2015. Collection method: clinical testing. Allele origin: germline. Observed: 2 variant alleles.
Comment: BS1

Labcorp Genetics (formerly Invitae), Labcorp
Classification: Uncertain significance. Last evaluated: 2022-07-06. Review status: criteria provided, single submitter. Criteria: Invitae Variant Classification Sherloc (09022015). Collection method: clinical testing. Allele origin: germline.
Comment: This sequence change replaces threonine, which is neutral and polar, with methionine, which is neutral and non-polar, at codon 34 of the ABCB4 protein (p.Thr34Met). This variant is present in population databases (rs142794414, gnomAD 0.5%). This missense change has been observed in individual(s) with clinical features of progressive familial intrahepatic cholestasis or low phospholipid associated cholelithiasis syndrome (PMID: 22331132, 24723470, 28355206). ClinVar contains an entry for this variant (Variation ID: 196273). Algorithms developed to predict the effect of missense changes on protein structure and function output the following: SIFT: "Tolerated"; PolyPhen-2: "Benign"; Align-GVGD: "Class C0". The methionine amino acid residue is found in multiple mammalian species, which suggests that this missense change does not adversely affect protein function. Experimental studies have shown that this missense change affects ABCB4 function (PMID: 24723470). In summary, the available evidence is currently insufficient to determine the role of this variant in disease. Therefore, it has been classified as a Variant of Uncertain Significance.

Revvity Omics, Revvity
Classification: Uncertain significance. Last evaluated: 2020-12-15. Review status: criteria provided, single submitter. Criteria: ACMG Guidelines, 2015. Collection method: clinical testing. Allele origin: germline.

Mendelics
Classification: Benign for Progressive familial intrahepatic cholestasis type 1. Last evaluated: 2019-05-28. Review status: criteria provided, single submitter. Criteria: Mendelics Assertion Criteria 2017. Collection method: clinical testing. Allele origin: unknown.

Fulgent Genetics
Classification: Uncertain significance for Low phospholipid associated cholelithiasis; Progressive familial intrahepatic cholestasis type 3; Cholestasis, intrahepatic, of pregnancy, 3. Last evaluated: 2018-10-31. Review status: criteria provided, single submitter. Criteria: ACMG Guidelines, 2015. Collection method: clinical testing. Allele origin: unknown.

Eurofins Ntd Llc (ga)
Classification: Uncertain significance. Last evaluated: 2017-12-21. Review status: criteria provided, single submitter. Criteria: EGL Classification Definitions 2015. Collection method: clinical testing. Allele origin: germline. Observed: 9 variant alleles, 9 heterozygotes.

Institute for Medical Genetics and Human Genetics, Charité - Universitätsmedizin Berlin
Classification: Uncertain significance. Review status: criteria provided, single submitter. Criteria: ACMG Guidelines, 2015. Collection method: not provided. Allele origin: germline. Inheritance: Autosomal recessive inheritance. Affected: yes.

Literature cited by the submitters: PubMed 35626323 (cited by Genomenon, Inc and Mayo Clinic Laboratories, Mayo Clinic); PubMed 28355206 (cited by 3 submitters); PubMed 22331132 (cited by 3 submitters); PubMed 24723470 (cited by 3 submitters); PubMed 25133187 (cited by Mayo Clinic Laboratories, Mayo Clinic); PubMed 27256251 (cited by Mayo Clinic Laboratories, Mayo Clinic); PubMed 28587926 (cited by Mayo Clinic Laboratories, Mayo Clinic); PubMed 33201677 (cited by Mayo Clinic Laboratories, Mayo Clinic); PubMed 33390354 (cited by Mayo Clinic Laboratories, Mayo Clinic).

NM_000443.4(ABCB4):c.101C>T (p.Thr34Met)

Gene: ABCB4 (ATP binding cassette subfamily B member 4; minus strand). Cytogenetic location: 7q21.12.
Variant type: single nucleotide variant.
Coding change: c.101C>T on transcript NM_000443.4 (MANE Select); coding-DNA position 101, C replaced by T.
Protein change: p.Thr34Met; replaces threonine 34 with methionine.
Molecular consequence: missense variant.
Genome position (GRCh38, 1-based): chr7:87,472,655, G>A on the plus strand (C>T on the coding strand, the complement: ABCB4 is on the minus strand). VCF-style: chr7-87472655-G-A. GRCh37 (hg19) VCF-style: chr7-87101971-G-A.
Other names: c.101C>T, p.Thr34Met (NM_018849.3, NM_018850.3); c.101C>T (NM_000443.3, NM_018849.2); short protein forms T34M.
Identifiers: ClinVar variation 196273 (VCV000196273.25), dbSNP rs142794414, ClinGen allele CA243171.